The following is an entry in ClinVar:

ClinVar aggregate classification (germline): Conflicting classifications of pathogenicity. Review status: criteria provided, conflicting classifications (1 of 4 stars). 7 submissions from 7 submitters: Uncertain significance (2); Benign (1); Likely benign (4). Last evaluated 2025-01-29.

Conditions:
Lynch syndrome 4 (LYNCH4). Also called: Colorectal cancer, hereditary nonpolyposis, type 4; Hereditary non-polyposis colorectal cancer, type 4. Identifiers: Orphanet 144, MedGen C1838333, MONDO:0013699, OMIM 614337. Disease mechanism: loss of function.
Hereditary nonpolyposis colorectal neoplasms. Identifiers: MedGen C0009405, MeSH D003123.
Lynch syndrome. Identifiers: Orphanet 144, MedGen C4552100, MONDO:0005835. Disease mechanism: loss of function.
Hereditary cancer-predisposing syndrome. Also called: Neoplastic Syndromes, Hereditary; Tumor predisposition; Hereditary neoplastic syndrome; Hereditary Cancer Syndrome. Identifiers: Orphanet 140162, MedGen C0027672, MeSH D009386, MONDO:0015356.

Allele frequency attached by ClinVar (database versions not stated): gnomAD exomes below 0.00001.
gnomAD v4.1: 8 of 1,612,310 alleles (0.0005%); highest among the groups gnomAD compares: African/African-American, 0.0013%; no homozygotes.

Submissions (7):

Myriad Genetics, Inc.
Classification: Benign for Lynch syndrome 4. Last evaluated: 2025-01-29. Review status: criteria provided, single submitter. Criteria: Myriad Autosomal Dominant, Autosomal Recessive and X-Linked Classification Criteria (2023). Collection method: clinical testing. Allele origin: unknown.
Comment: This variant is considered benign. This variant is a silent/synonymous amino acid change and it is not expected to impact splicing.

Labcorp Genetics (formerly Invitae), Labcorp
Classification: Likely benign for Hereditary nonpolyposis colorectal neoplasms. Last evaluated: 2024-11-21. Review status: criteria provided, single submitter. Criteria: Invitae Variant Classification Sherloc (09022015). Collection method: clinical testing. Allele origin: germline.

All of Us Research Program, National Institutes of Health
Classification: Likely benign for Lynch syndrome. Last evaluated: 2023-03-09. Review status: criteria provided, single submitter. Criteria: ACMG Guidelines, 2015. Collection method: clinical testing. Allele origin: germline. Inheritance: Autosomal dominant inheritance. Observed: 1 variant allele, 1 heterozygote.
Comment: This study involves interpretation of variants in research participants for the purpose of population health screening. Participant phenotype was not available at the time of variant classification. Additional details can be found in publication PMID: 35346344, PMCID: PMC8962531

Ambry Genetics
Classification: Likely benign for Hereditary cancer-predisposing syndrome. Last evaluated: 2022-05-01. Review status: criteria provided, single submitter. Criteria: Ambry Variant Classification Scheme 2023. Collection method: clinical testing. Allele origin: germline.

Sema4
Classification: Uncertain significance for Hereditary cancer-predisposing syndrome. Last evaluated: 2021-07-15. Review status: criteria provided, single submitter. Criteria: Sema4 Curation Guidelines. Collection method: curation. Allele origin: germline.
Comment: The PMS2 c.1068G>A (p.K356=) variant has not been reported in literature to our knowledge. This variant was not observed in the large and broad cohorts of the Genome Aggregation Database (PMID: 32461654). This variant has been reported in ClinVar (Variation ID 630209). In silico tools that predict the effect of sequence changes on splicing suggest that this variant may have an impact on splicing, though these predictions have not been confirmed by functional studies. The overall evidence is insufficient to meet ACMG/AMP criteria for classifying it as benign or pathogenic. In summary, the clinical significance of this variant is currently uncertain.

Quest Diagnostics Nichols Institute San Juan Capistrano
Classification: Uncertain significance. Last evaluated: 2019-01-11. Review status: criteria provided, single submitter. Criteria: Quest Diagnostics criteria. Collection method: clinical testing. Allele origin: germline.

Color Diagnostics, LLC DBA Color Health
Classification: Likely benign for Hereditary cancer-predisposing syndrome. Last evaluated: 2018-04-30. Review status: criteria provided, single submitter. Criteria: ACMG Guidelines, 2015. Collection method: clinical testing. Allele origin: germline.

NM_000535.7(PMS2):c.1068G>A (p.Lys356=)

Gene: PMS2 (PMS1 homolog 2, mismatch repair system component; minus strand). Cytogenetic location: 7p22.1.
Variant type: single nucleotide variant.
Coding change: c.1068G>A on transcript NM_000535.7 (MANE Select); coding-DNA position 1068, G replaced by A.
Protein change: p.Lys356=; no amino-acid change (lysine 356 retained).
Molecular consequence: synonymous variant. On other transcripts: non-coding transcript variant (1), intron variant (2).
Genome position (GRCh38, 1-based): chr7:5,989,876, C>T on the plus strand (G>A on the coding strand, the complement: PMS2 is on the minus strand). VCF-style: chr7-5989876-C-T. GRCh37 (hg19) VCF-style: chr7-6029507-C-T.
Other names: c.663G>A, p.Lys221= (NM_001322003.2, NM_001322004.2, NM_001322005.2 and 1 more transcripts); c.750G>A, p.Lys250= (NM_001322007.2, NM_001322008.2); c.135G>A, p.Lys45= (NM_001322011.2, NM_001322012.2); c.495G>A, p.Lys165= (NM_001322013.2); c.1068G>A, p.Lys356= (NM_001322014.2); c.759G>A, p.Lys253= (NM_001322015.2); c.583+2097G>A (NM_001322010.2); c.988+2097G>A (NM_001322006.2).
Identifiers: ClinVar variation 630209 (VCV000630209.20), dbSNP rs528499793, ClinGen allele CA153230640.